The following is an entry in ClinVar:

ClinVar aggregate classification (germline): Uncertain significance (1 of 4 stars; one submission).

gnomAD v4.1: 54 of 1,608,546 alleles (0.0034%); highest among the groups gnomAD compares: Admixed American, 0.013%; no homozygotes.

Submission:

Labcorp Genetics (formerly Invitae), Labcorp
Classification: Uncertain significance. Last evaluated: 2025-01-29. Review status: criteria provided, single submitter. Criteria: Invitae Variant Classification Sherloc (09022015). Collection method: clinical testing. Allele origin: germline.
Comment: This sequence change replaces arginine, which is basic and polar, with histidine, which is basic and polar, at codon 420 of the SEC63 protein (p.Arg420His). This variant is present in population databases (rs779791254, gnomAD 0.02%). This variant has not been reported in the literature in individuals affected with SEC63-related conditions. An algorithm developed to predict the effect of missense changes on protein structure and function (PolyPhen-2) suggests that this variant is likely to be disruptive. In summary, the available evidence is currently insufficient to determine the role of this variant in disease. Therefore, it has been classified as a Variant of Uncertain Significance.

NM_007214.5(SEC63):c.1259G>A (p.Arg420His)

Gene: SEC63 (SEC63 protein translocation regulator; minus strand). Cytogenetic location: 6q21.
Variant type: single nucleotide variant.
Coding change: c.1259G>A on transcript NM_007214.5 (MANE Select); coding-DNA position 1259, G replaced by A.
Protein change: p.Arg420His; replaces arginine 420 with histidine.
Molecular consequence: missense variant.
Genome position (GRCh38, 1-based): chr6:107,901,468, C>T on the plus strand (G>A on the coding strand, the complement: SEC63 is on the minus strand). VCF-style: chr6-107901468-C-T. GRCh37 (hg19) VCF-style: chr6-108222672-C-T.
Other names: short protein forms R420H.
Identifiers: ClinVar variation 4739922 (VCV004739922.1).